The following is an entry in ClinVar:

ClinVar aggregate classification (germline): Uncertain significance (1 of 4 stars; one submission).

Conditions:
Hereditary cancer-predisposing syndrome. Also called: Neoplastic Syndromes, Hereditary; Tumor predisposition; Hereditary Cancer Syndrome; Hereditary neoplastic syndrome. Identifiers: Orphanet 140162, MedGen C0027672, MeSH D009386, MONDO:0015356.

Submission:

Ambry Genetics
Classification: Uncertain significance for Hereditary cancer-predisposing syndrome. Last evaluated: 2025-12-15. Review status: criteria provided, single submitter. Criteria: Ambry Variant Classification Scheme 2023. Collection method: clinical testing. Allele origin: germline.
Comment: The p.L78I variant (also known as c.232C>A), located in coding exon 1 of the MET gene, results from a C to A substitution at nucleotide position 232. The leucine at codon 78 is replaced by isoleucine, an amino acid with highly similar properties. This amino acid position is conserved. In addition, the in silico prediction for this alteration is inconclusive. Based on the available evidence, the clinical significance of this variant remains unclear.

NM_000245.4(MET):c.232C>A (p.Leu78Ile)

Gene: MET (MET proto-oncogene, receptor tyrosine kinase; plus strand). Cytogenetic location: 7q31.2.
Variant type: single nucleotide variant.
Coding change: c.232C>A on transcript NM_000245.4 (MANE Select); coding-DNA position 232, C replaced by A.
Protein change: p.Leu78Ile; replaces leucine 78 with isoleucine.
Molecular consequence: missense variant. On other transcripts: intron variant (1).
Genome position (GRCh38, 1-based): chr7:116,699,316, C>A. VCF-style: chr7-116699316-C-A. GRCh37 (hg19) VCF-style: chr7-116339370-C-A.
Other names: c.232C>A, p.Leu78Ile (NM_001127500.3, NM_001324401.3); c.-91+26739C>A (NM_001324402.2); short protein forms L78I.
Identifiers: ClinVar variation 4843757 (VCV004843757.1).